The following is an entry in ClinVar:

ClinVar aggregate classification (germline): Likely pathogenic (1 of 4 stars; one submission).

Allele frequency attached by ClinVar (database versions not stated): gnomAD exomes 0.00002.

Submission:

Labcorp Genetics (formerly Invitae), Labcorp
Classification: Likely pathogenic. Last evaluated: 2025-03-07. Review status: criteria provided, single submitter. Criteria: Invitae Variant Classification Sherloc (09022015). Collection method: clinical testing. Allele origin: germline.
Comment: This sequence change affects an acceptor splice site in intron 17 of the NOTCH3 gene. It is expected to disrupt RNA splicing. Variants that disrupt the donor or acceptor splice site typically lead to a loss of protein function (PMID: 16199547), and loss-of-function variants in NOTCH3 are known to be pathogenic (PMID: 25870235, 32980981, 38824264). This variant is present in population databases (no rsID available, gnomAD 0.01%). This variant has not been observed in the literature in individuals with autosomal recessive NOTCH3-related conditions. This variant has been reported in individual(s) with cerebral arteriopathy with subcortical infarcts and leukoencephalopathy 1 (internal data); however, the role of the variant in this condition is currently unclear. ClinVar contains an entry for this variant (Variation ID: 2909216). Algorithms developed to predict the effect of sequence changes on RNA splicing suggest that this variant may disrupt the consensus splice site. In summary, the currently available evidence indicates that the variant is pathogenic, but additional data are needed to prove that conclusively. Therefore, this variant has been classified as Likely Pathogenic.

Literature cited by the submitters: PubMed 16199547; PubMed 25870235; PubMed 32980981; PubMed 38824264.

NM_000435.3(NOTCH3):c.2793-2A>G

Gene: NOTCH3 (notch receptor 3; minus strand). Cytogenetic location: 19p13.12.
Variant type: single nucleotide variant.
Coding change: c.2793-2A>G on transcript NM_000435.3 (MANE Select); the canonical splice acceptor site of the intron before coding-DNA position 2793, A replaced by G.
Molecular consequence: splice acceptor variant.
Genome position (GRCh38, 1-based): chr19:15,181,164, T>C on the plus strand (A>G on the coding strand, the complement: NOTCH3 is on the minus strand). VCF-style: chr19-15181164-T-C. GRCh37 (hg19) VCF-style: chr19-15291975-T-C.
Identifiers: ClinVar variation 2909216 (VCV002909216.3), dbSNP rs1210017336, ClinGen allele CA404516381.